The following is an entry in ClinVar:

NM_015164.4(PLEKHM2):c.1901A>G (p.Tyr634Cys)

Gene: PLEKHM2 (pleckstrin homology and RUN domain containing M2; plus strand). Cytogenetic location: 1p36.21.
Variant type: single nucleotide variant.
Coding change: c.1901A>G on transcript NM_015164.4 (MANE Select); coding-DNA position 1901, A replaced by G.
Protein change: p.Tyr634Cys; replaces tyrosine 634 with cysteine.
Molecular consequence: missense variant.
Genome position (GRCh38, 1-based): chr1:15,728,337, A>G. VCF-style: chr1-15728337-A-G. GRCh37 (hg19) VCF-style: chr1-16054832-A-G.
Other names: c.1841A>G, p.Tyr614Cys (NM_001410755.1); short protein forms Y634C, Y614C.
Identifiers: ClinVar variation 2895751 (VCV002895751.3), dbSNP rs752073359, ClinGen allele CA617058.

ClinVar aggregate classification (germline): Uncertain significance (1 of 4 stars; one submission).

Allele frequency attached by ClinVar (database versions not stated): gnomAD exomes below 0.00001; ExAC 0.00001; gnomAD 0.00003; TOPMed 0.00003.
gnomAD v4.1: 10 of 1,612,868 alleles (0.00062%); highest among the groups gnomAD compares: African/African-American, 0.0027%; no homozygotes.

Submission:

Labcorp Genetics (formerly Invitae), Labcorp
Classification: Uncertain significance. Last evaluated: 2023-04-19. Review status: criteria provided, single submitter. Criteria: Invitae Variant Classification Sherloc (09022015). Collection method: clinical testing. Allele origin: germline.
Comment: In summary, the available evidence is currently insufficient to determine the role of this variant in disease. Therefore, it has been classified as a Variant of Uncertain Significance. An algorithm developed to predict the effect of missense changes on protein structure and function (PolyPhen-2) suggests that this variant is likely to be tolerated. This variant has not been reported in the literature in individuals affected with PLEKHM2-related conditions. This variant is present in population databases (rs752073359, gnomAD 0.007%). This sequence change replaces tyrosine, which is neutral and polar, with cysteine, which is neutral and slightly polar, at codon 634 of the PLEKHM2 protein (p.Tyr634Cys).